The following is an entry in ClinVar:

NM_014363.6(SACS):c.10900C>T (p.Gln3634Ter)

Gene: SACS (sacsin molecular chaperone; minus strand). Cytogenetic location: 13q12.12.
Variant type: single nucleotide variant.
Coding change: c.10900C>T on transcript NM_014363.6 (MANE Select); coding-DNA position 10900, C replaced by T.
Protein change: p.Gln3634Ter; replaces glutamine 3634 with a stop codon.
Molecular consequence: nonsense.
Genome position (GRCh38, 1-based): chr13:23,332,976, G>A on the plus strand (C>T on the coding strand, the complement: SACS is on the minus strand). VCF-style: chr13-23332976-G-A. GRCh37 (hg19) VCF-style: chr13-23907115-G-A.
Other names: c.10459C>T, p.Gln3487Ter (NM_001278055.2); short protein forms Q3634*, Q3487*.
Identifiers: ClinVar variation 1984514 (VCV001984514.8), dbSNP rs2542178338, ClinGen allele CA387511169.

ClinVar aggregate classification (germline): Pathogenic/Likely pathogenic. Review status: criteria provided, multiple submitters, no conflicts (2 of 4 stars). 3 submissions from 3 submitters: Pathogenic (1); Likely pathogenic (2). Last evaluated 2023-05-23.

Conditions:
Spastic paraplegia. Identifiers: MedGen C0037772, HP:0001258.
Charlevoix-Saguenay spastic ataxia (SACS). Also called: SPASTIC ATAXIA 6, AUTOSOMAL RECESSIVE; AUTOSOMAL RECESSIVE SPASTIC ATAXIA OF CHARLEVOIX-SAGUENAY; Spastic ataxia of Charlevoix-Saguenay. Identifiers: Orphanet 98, MedGen C1849140, MONDO:0010041, OMIM 270550.

Submissions (3):

Baylor Genetics
Classification: Likely pathogenic for Charlevoix-Saguenay spastic ataxia. Last evaluated: 2023-05-23. Review status: criteria provided, single submitter. Criteria: ACMG Guidelines, 2015. Collection method: clinical testing. Allele origin: unknown.

Revvity Omics, Revvity
Classification: Likely pathogenic for Charlevoix-Saguenay spastic ataxia. Last evaluated: 2022-01-11. Review status: criteria provided, single submitter. Criteria: ACMG Guidelines, 2015. Collection method: clinical testing. Allele origin: germline.

Labcorp Genetics (formerly Invitae), Labcorp
Classification: Pathogenic for Spastic paraplegia. Last evaluated: 2021-12-03. Review status: criteria provided, single submitter. Criteria: Invitae Variant Classification Sherloc (09022015). Collection method: clinical testing. Allele origin: germline.
Comment: This variant is not present in population databases (gnomAD no frequency). This sequence change creates a premature translational stop signal (p.Gln3634*) in the SACS gene. While this is not anticipated to result in nonsense mediated decay, it is expected to disrupt the last 946 amino acid(s) of the SACS protein. This variant has not been reported in the literature in individuals affected with SACS-related conditions. This variant disrupts a region of the SACS protein in which other variant(s) (p.Asn4549Asp) have been determined to be pathogenic (PMID: 15156359, 21507954). This suggests that this is a clinically significant region of the protein, and that variants that disrupt it are likely to be disease-causing. For these reasons, this variant has been classified as Pathogenic.

Literature cited by the submitters: PubMed 15156359 (cited by Labcorp Genetics (formerly Invitae), Labcorp); PubMed 21507954 (cited by Labcorp Genetics (formerly Invitae), Labcorp).